The following is an entry in ClinVar:

ClinVar aggregate classification (germline): Uncertain significance (1 of 4 stars; one submission).

Submission:

GeneDx
Classification: Uncertain significance. Last evaluated: 2022-07-22. Review status: criteria provided, single submitter. Criteria: GeneDx Variant Classification Process June 2021. Collection method: clinical testing. Allele origin: germline. Affected: yes.
Comment: Not observed at significant frequency in large population cohorts (gnomAD); In silico analysis supports that this missense variant has a deleterious effect on protein structure/function; Has not been previously published as pathogenic or benign to our knowledge

NM_014023.4(WDR37):c.920T>C (p.Leu307Pro)

Gene: WDR37 (WD repeat domain 37; plus strand). Cytogenetic location: 10p15.3.
Variant type: single nucleotide variant.
Coding change: c.920T>C on transcript NM_014023.4 (MANE Select); coding-DNA position 920, T replaced by C.
Protein change: p.Leu307Pro; replaces leucine 307 with proline.
Molecular consequence: missense variant.
Genome position (GRCh38, 1-based): chr10:1,103,795, T>C. VCF-style: chr10-1103795-T-C. GRCh37 (hg19) VCF-style: chr10-1149735-T-C.
Other names: short protein forms L307P.
Identifiers: ClinVar variation 2136232 (VCV002136232.1), dbSNP rs2490749306, ClinGen allele CA375854928.